The following is an entry in ClinVar:

NM_001127178.3(PIGG):c.337A>G (p.Thr113Ala)

Gene: PIGG (phosphatidylinositol glycan anchor biosynthesis class G (EMM blood group); plus strand). Cytogenetic location: 4p16.3.
Variant type: single nucleotide variant.
Coding change: c.337A>G on transcript NM_001127178.3 (MANE Select); coding-DNA position 337, A replaced by G.
Protein change: p.Thr113Ala; replaces threonine 113 with alanine.
Molecular consequence: missense variant. On other transcripts: 5 prime UTR variant (5), non-coding transcript variant (10).
Genome position (GRCh38, 1-based): chr4:500,578, A>G. VCF-style: chr4-500578-A-G. GRCh37 (hg19) VCF-style: chr4-494367-A-G.
Other names: c.70A>G, p.Thr24Ala (NM_001345986.2, NM_001345987.2, NM_001289051.2 and 2 more transcripts); c.-551A>G (NM_001345988.2); c.337A>G, p.Thr113Ala (NM_001345989.2, NM_017733.5, NM_001289052.2); c.337A>G (NM_001127178.1); c.-1289A>G (NM_001345990.2); c.-1151A>G (NM_001345991.2); c.-876A>G (NM_001345994.2); c.-100A>G (NM_001289055.2); short protein forms T113A, T24A.
Identifiers: ClinVar variation 1035933 (VCV001035933.7), dbSNP rs782263436, ClinGen allele CA2792955.

ClinVar aggregate classification (germline): Uncertain significance. Review status: criteria provided, multiple submitters, no conflicts (2 of 4 stars). 2 submissions from 2 submitters: Uncertain significance (2). Last evaluated 2024-12-28.

Conditions:
Intellectual disability, autosomal recessive 53 (NEDHSCA). Also called: NEURODEVELOPMENTAL DISORDER WITH OR WITHOUT HYPOTONIA, SEIZURES, AND CEREBELLAR ATROPHY; GLYCOSYLPHOSPHATIDYLINOSITOL BIOSYNTHESIS DEFECT 13; Mental retardation, autosomal recessive 53. Identifiers: Orphanet 488635, MedGen C4310794, MONDO:0014832, OMIM 616917.
Inborn genetic diseases. Identifiers: MedGen C0950123, MeSH D030342.

Allele frequency attached by ClinVar (database versions not stated): gnomAD exomes 0.00001 and 0.00002; TOPMed 0.00001; ExAC 0.00002.
gnomAD v4.1: 10 of 1,609,036 alleles (0.00062%); highest among the groups gnomAD compares: South Asian, 0.0044%; no homozygotes.

Submissions (2):

Ambry Genetics
Classification: Uncertain significance for Inborn genetic diseases. Last evaluated: 2024-12-28. Review status: criteria provided, single submitter. Criteria: Ambry Variant Classification Scheme 2023. Collection method: clinical testing. Allele origin: germline.

Labcorp Genetics (formerly Invitae), Labcorp
Classification: Uncertain significance for Intellectual disability, autosomal recessive 53. Last evaluated: 2022-07-31. Review status: criteria provided, single submitter. Criteria: Invitae Variant Classification Sherloc (09022015). Collection method: clinical testing. Allele origin: germline.
Comment: This sequence change replaces threonine, which is neutral and polar, with alanine, which is neutral and non-polar, at codon 113 of the PIGG protein (p.Thr113Ala). This variant is present in population databases (rs782263436, gnomAD 0.006%). This variant has not been reported in the literature in individuals affected with PIGG-related conditions. ClinVar contains an entry for this variant (Variation ID: 1035933). Algorithms developed to predict the effect of missense changes on protein structure and function (SIFT, PolyPhen-2, Align-GVGD) all suggest that this variant is likely to be disruptive. In summary, the available evidence is currently insufficient to determine the role of this variant in disease. Therefore, it has been classified as a Variant of Uncertain Significance.